The following is an entry in ClinVar:

NM_001348800.3(ZBTB20):c.2145C>A (p.Tyr715Ter)

Gene: ZBTB20 (zinc finger and BTB domain containing 20; minus strand). Cytogenetic location: 3q13.31.
Variant type: single nucleotide variant.
Coding change: c.2145C>A on transcript NM_001348800.3 (MANE Select); coding-DNA position 2145, C replaced by A.
Protein change: p.Tyr715Ter; replaces tyrosine 715 with a stop codon.
Molecular consequence: nonsense. On other transcripts: non-coding transcript variant (1).
Genome position (GRCh38, 1-based): chr3:114,339,086, G>T on the plus strand (C>A on the coding strand, the complement: ZBTB20 is on the minus strand). VCF-style: chr3-114339086-G-T. GRCh37 (hg19) VCF-style: chr3-114057933-G-T.
Other names: c.2145C>A, p.Tyr715Ter (NM_001164342.2, NM_001348803.3, NM_001393393.1 and 1 more transcripts); c.1926C>A, p.Tyr642Ter (NM_001164343.2, NM_001164344.4, NM_001164345.4 and 9 more transcripts); short protein forms Y642*, Y715*.
Identifiers: ClinVar variation 4885392 (VCV004885392.2).
Genomic context (GRCh38, chr3:114,339,086, plus strand): 5'-CCTCATGTGGTCGTTGAACTGCTCGATTTGGTCAAACTTTGCTGGGCAGACGGAGCAGAC[G>T]TAAGTGGTCCCCTCCGTGCAGGCCACCACGCCTGGGGGGCCAGCGCGGGCACCTGGGGGT-3'

ClinVar aggregate classification (germline): Uncertain significance (1 of 4 stars; one submission).

gnomAD v4.1: 1 of 1,586,160 alleles (0.000063%); highest among the groups gnomAD compares: Non-Finnish European, 0.000086%; no homozygotes.

Submission:

Dasa
Classification: Uncertain significance. Last evaluated: 2025-10-13. Review status: criteria provided, single submitter. Criteria: DASA Assertion Criteria. Collection method: clinical testing. Allele origin: germline.
Comment: NM_001348800.3(ZBTB20):c.2145C>A (p.Tyr715*) is a nonsense variant in ZBTB20 predicted to introduce a premature termination codon and is predicted to result in an absent or altered protein product. This variant is rare in population databases. The currently available literature and clinical evidence are not sufficient to establish a definitive association between this variant and the reported condition. Therefore, this variant is classified as a variant of uncertain significance.